The following is an entry in ClinVar:

ClinVar aggregate classification (germline): Pathogenic. Review status: criteria provided, multiple submitters, no conflicts (2 of 4 stars). 2 submissions from 2 submitters: Pathogenic (2). Last evaluated 2025-03-05.

Submissions (2):

Labcorp Genetics (formerly Invitae), Labcorp
Classification: Pathogenic. Last evaluated: 2025-03-05. Review status: criteria provided, single submitter. Criteria: Invitae Variant Classification Sherloc (09022015). Collection method: clinical testing. Allele origin: germline.
Comment: This sequence change creates a premature translational stop signal (p.Leu890*) in the ATR gene. It is expected to result in an absent or disrupted protein product. Loss-of-function variants in ATR are known to be pathogenic (PMID: 21228398, 23144622). This variant is not present in population databases (gnomAD no frequency). This variant has not been reported in the literature in individuals affected with ATR-related conditions. ClinVar contains an entry for this variant (Variation ID: 2851856). For these reasons, this variant has been classified as Pathogenic.

CeGaT Center for Human Genetics Tuebingen
Classification: Pathogenic. Last evaluated: 2024-03-01. Review status: criteria provided, single submitter. Criteria: CeGaT Center For Human Genetics Tuebingen Variant Classification Criteria Version 2. Collection method: clinical testing. Allele origin: germline. Affected: yes. Observed: 1 variant allele.
Comment: ATR: PVS1, PM2

Literature cited by the submitters: PubMed 21228398 (cited by Labcorp Genetics (formerly Invitae), Labcorp); PubMed 23144622 (cited by Labcorp Genetics (formerly Invitae), Labcorp).

NM_001184.4(ATR):c.2669T>G (p.Leu890Ter)

Gene: ATR (ATR checkpoint kinase; minus strand). Cytogenetic location: 3q23.
Variant type: single nucleotide variant.
Coding change: c.2669T>G on transcript NM_001184.4 (MANE Select); coding-DNA position 2669, T replaced by G.
Protein change: p.Leu890Ter; replaces leucine 890 with a stop codon.
Molecular consequence: nonsense.
Genome position (GRCh38, 1-based): chr3:142,553,363, A>C on the plus strand (T>G on the coding strand, the complement: ATR is on the minus strand). VCF-style: chr3-142553363-A-C. GRCh37 (hg19) VCF-style: chr3-142272205-A-C.
Other names: c.2477T>G, p.Leu826Ter (NM_001354579.2); short protein forms L826*, L890*.
Identifiers: ClinVar variation 2851856 (VCV002851856.24), dbSNP rs2108462660, ClinGen allele CA354814809.